The following is an entry in ClinVar:

NM_001080467.3(MYO5B):c.1220A>T (p.His407Leu)

Gene: MYO5B (myosin VB; minus strand). Cytogenetic location: 18q21.1.
Variant type: single nucleotide variant.
Coding change: c.1220A>T on transcript NM_001080467.3 (MANE Select); coding-DNA position 1220, A replaced by T.
Protein change: p.His407Leu; replaces histidine 407 with leucine.
Molecular consequence: missense variant.
Genome position (GRCh38, 1-based): chr18:49,974,452, T>A on the plus strand (A>T on the coding strand, the complement: MYO5B is on the minus strand). VCF-style: chr18-49974452-T-A. GRCh37 (hg19) VCF-style: chr18-47500822-T-A.
Other names: short protein forms H407L.
Identifiers: ClinVar variation 1379102 (VCV001379102.6), dbSNP rs1425595680, ClinGen allele CA402432655.

ClinVar aggregate classification (germline): Uncertain significance (1 of 4 stars; one submission).

Submission:

Labcorp Genetics (formerly Invitae), Labcorp
Classification: Uncertain significance. Last evaluated: 2021-09-03. Review status: criteria provided, single submitter. Criteria: Invitae Variant Classification Sherloc (09022015). Collection method: clinical testing. Allele origin: germline.
Comment: In summary, the available evidence is currently insufficient to determine the role of this variant in disease. Therefore, it has been classified as a Variant of Uncertain Significance. Algorithms developed to predict the effect of missense changes on protein structure and function are either unavailable or do not agree on the potential impact of this missense change (SIFT: "Deleterious"; PolyPhen-2: "Possibly Damaging"; Align-GVGD: "Class C0"). This variant has not been reported in the literature in individuals affected with MYO5B-related conditions. This variant is not present in population databases (ExAC no frequency). This sequence change replaces histidine with leucine at codon 407 of the MYO5B protein (p.His407Leu). The histidine residue is highly conserved and there is a moderate physicochemical difference between histidine and leucine.